The following is an entry in ClinVar:

NM_182699.4(DDX53):c.1059T>C (p.Pro353=)

Genes: DDX53 (DEAD-box helicase 53; plus strand), PTCHD1-AS (PTCHD1 and PHEX antisense RNA; minus strand). Cytogenetic location: Xp22.11.
Variant type: single nucleotide variant.
Coding change: c.1059T>C on transcript NM_182699.4 (MANE Select); coding-DNA position 1059, T replaced by C.
Protein change: p.Pro353=; no amino-acid change (proline 353 retained).
Molecular consequence: synonymous variant.
Genome position (GRCh38, 1-based): chrX:23,001,116, T>C. VCF-style: chrX-23001116-T-C. GRCh37 (hg19) VCF-style: chrX-23019233-T-C.
Identifiers: ClinVar variation 2660164 (VCV002660164.24), dbSNP rs146090889, ClinGen allele CA10368820.

ClinVar aggregate classification (germline): Likely benign (1 of 4 stars; one submission).

Allele frequency attached by ClinVar (database versions not stated): gnomAD 0.00054; 1000 Genomes Project 30x 0.00062; TOPMed 0.00065; gnomAD exomes 0.00007; ExAC 0.00020; ESP Exome Variant Server 0.00047; 1000 Genomes Project 0.00053.

Submission:

CeGaT Center for Human Genetics Tuebingen
Classification: Likely benign. Last evaluated: 2022-05-01. Review status: criteria provided, single submitter. Criteria: CeGaT Center For Human Genetics Tuebingen Variant Classification Criteria Version 2. Collection method: clinical testing. Allele origin: germline. Affected: yes. Observed: 1 variant allele.
Comment: DDX53: BP4, BP7